The following is an entry in ClinVar:

NM_015506.3(MMACHC):c.343A>G (p.Ile115Val)

Gene: MMACHC (metabolism of cobalamin associated C; plus strand). Cytogenetic location: 1p34.1.
Variant type: single nucleotide variant.
Coding change: c.343A>G on transcript NM_015506.3 (MANE Select); coding-DNA position 343, A replaced by G.
Protein change: p.Ile115Val; replaces isoleucine 115 with valine.
Molecular consequence: missense variant.
Genome position (GRCh38, 1-based): chr1:45,508,278, A>G. VCF-style: chr1-45508278-A-G. GRCh37 (hg19) VCF-style: chr1-45973950-A-G.
Other names: c.343A>G (NM_015506.2); c.172A>G, p.Ile58Val (NM_001330540.2); short protein forms I115V, I58V.
Identifiers: ClinVar variation 2147684 (VCV002147684.4), dbSNP rs933920882, ClinGen allele CA21829311.

ClinVar aggregate classification (germline): Uncertain significance. Review status: criteria provided, multiple submitters, no conflicts (2 of 4 stars). 4 submissions from 4 submitters: Uncertain significance (4). Last evaluated 2024-04-03.

Conditions:
Inborn genetic diseases. Identifiers: MedGen C0950123, MeSH D030342.
Cobalamin C disease. Also called: Cobalamin-C methylmalonic acidemia and homocystinuria; Methylmalonic acidemia and homocystinuria cblC type; Methylmalonic aciduria and homocystinuria, Vitamin B12-responsive; Vitamin B12 metabolic defect with combined deficiency of methylmalonyl-CoA mutase and homocysteine:methyltetrahydrofolate methyltransferase; methylmalonic aciduria and homocystinuria type cblC; Methylmalonic aciduria with homocystinuria cblC type. Identifiers: Orphanet 26, Orphanet 79282, MedGen C1848561, MONDO:0010184, OMIM 277400.

Allele frequency attached by ClinVar (database versions not stated): gnomAD exomes 0.00001.
gnomAD v4.1: 6 of 1,614,162 alleles (0.00037%); highest among the groups gnomAD compares: Admixed American, 0.0083%; no homozygotes.

Submissions (4):

Fulgent Genetics
Classification: Uncertain significance for Cobalamin C disease. Last evaluated: 2024-04-03. Review status: criteria provided, single submitter. Criteria: ACMG Guidelines, 2015. Collection method: clinical testing. Allele origin: germline.

Genome-Nilou Lab
Classification: Uncertain significance for Cobalamin C disease. Last evaluated: 2023-04-11. Review status: criteria provided, single submitter. Criteria: ACMG Guidelines, 2015. Collection method: clinical testing. Allele origin: germline. Affected: no.

Labcorp Genetics (formerly Invitae), Labcorp
Classification: Uncertain significance for Cobalamin C disease. Last evaluated: 2022-07-09. Review status: criteria provided, single submitter. Criteria: Invitae Variant Classification Sherloc (09022015). Collection method: clinical testing. Allele origin: germline.
Comment: This sequence change replaces isoleucine, which is neutral and non-polar, with valine, which is neutral and non-polar, at codon 115 of the MMACHC protein (p.Ile115Val). This variant is present in population databases (no rsID available, gnomAD 0.009%). This variant has not been reported in the literature in individuals affected with MMACHC-related conditions. Advanced modeling of protein sequence and biophysical properties (such as structural, functional, and spatial information, amino acid conservation, physicochemical variation, residue mobility, and thermodynamic stability) performed at Invitae indicates that this missense variant is not expected to disrupt MMACHC protein function. In summary, the available evidence is currently insufficient to determine the role of this variant in disease. Therefore, it has been classified as a Variant of Uncertain Significance.

Ambry Genetics
Classification: Uncertain significance for Inborn genetic diseases. Last evaluated: 2022-05-10. Review status: criteria provided, single submitter. Criteria: Ambry Variant Classification Scheme 2023. Collection method: clinical testing. Allele origin: germline.